The following is an entry in ClinVar:

ClinVar aggregate classification (germline): Pathogenic (1 of 4 stars; one submission).

Conditions:
Distal myopathy with posterior leg and anterior hand involvement. Also called: WILLIAMS DISTAL MYOPATHY. Identifiers: Orphanet 63273, MedGen C3279722, MONDO:0013550, OMIM 614065.
Hypertrophic cardiomyopathy 26. Also called: Cardiomyopathy, familial hypertrophic, 26. Identifiers: Orphanet 75249, MedGen C4310749, MONDO:0014883, OMIM 617047.
Myofibrillar myopathy 5. Also called: Filaminopathy (type); FILAMINOPATHY, AUTOSOMAL DOMINANT. Identifiers: Orphanet 171445, MedGen C1836050, MONDO:0012289, OMIM 609524.

Submission:

Labcorp Genetics (formerly Invitae), Labcorp
Classification: Pathogenic for Distal myopathy with posterior leg and anterior hand involvement; Myofibrillar myopathy 5; Hypertrophic cardiomyopathy 26. Last evaluated: 2024-07-03. Review status: criteria provided, single submitter. Criteria: Invitae Variant Classification Sherloc (09022015). Collection method: clinical testing. Allele origin: germline.
Comment: This sequence change creates a premature translational stop signal (p.Phe2114Leufs*13) in the FLNC gene. It is expected to result in an absent or disrupted protein product. Loss-of-function variants in FLNC are known to be pathogenic (PMID: 27908349). This variant is not present in population databases (gnomAD no frequency). This variant has not been reported in the literature in individuals affected with FLNC-related conditions. For these reasons, this variant has been classified as Pathogenic.

Literature cited by the submitters: PubMed 27908349.

NM_001458.5(FLNC):c.6342del (p.Phe2114fs)

Genes: FLNC-AS1 (FLNC antisense RNA 1; minus strand), FLNC (filamin C; plus strand). Cytogenetic location: 7q32.1.
Variant type: Deletion.
Coding change: c.6342del on transcript NM_001458.5 (MANE Select); coding-DNA position 6342, one base deleted (T; older notation c.6342delT).
Protein change: p.Phe2114fs; shifts the reading frame from phenylalanine 2114.
Molecular consequence: frameshift variant.
Genome position (GRCh38, 1-based): chr7:128,853,602, T deleted; the last of 3 consecutive T bases (chr7:128,853,600-128,853,602); deleting any one gives the same sequence. VCF-style (leftmost placement, unchanged base first): chr7-128853599-GT-G. GRCh37 (hg19) VCF-style: chr7-128493653-GT-G.
Other names: c.6243del, p.Phe2081fs (NM_001127487.2); short protein forms F2081fs, F2114fs.
Identifiers: ClinVar variation 3751115 (VCV003751115.2).